The following is an entry in ClinVar:

NM_001283009.2(RTEL1):c.2779G>C (p.Asp927His)

Genes: RTEL1 (regulator of telomere elongation helicase 1; plus strand), RTEL1-TNFRSF6B (RTEL1-TNFRSF6B readthrough (NMD candidate); plus strand). Cytogenetic location: 20q13.33.
Variant type: single nucleotide variant.
Coding change: c.2779G>C on transcript NM_001283009.2 (MANE Select); coding-DNA position 2779, G replaced by C.
Protein change: p.Asp927His; replaces aspartic acid 927 with histidine.
Molecular consequence: missense variant. On other transcripts: non-coding transcript variant (1).
Genome position (GRCh38, 1-based): chr20:63,692,931, G>C. VCF-style: chr20-63692931-G-C. GRCh37 (hg19) VCF-style: chr20-62324284-G-C.
Other names: c.2110G>C, p.Asp704His (NM_001283010.1); c.2779G>C, p.Asp927His (NM_016434.4); c.2851G>C, p.Asp951His (NM_032957.5); short protein forms D704H, D927H, D951H.
Identifiers: ClinVar variation 5028512 (VCV005028512.1).
Genomic context (GRCh38, chr20:63,692,931, plus strand): 5'-TTGAGCCAAGCCAACTTTGCCACCTTCACCCAGGCCCTGCAGGACTACAAGGGTTCCGAT[G>C]ACTTCGCCGCCCTGGCCGCCTGTCTCGGCCCCCTCTTTGCTGAGGACCCCAAGAAGCACA-3'
Protein context (NP_001269938.1, residues 917-937): QALQDYKGSD[Asp927His]FAALAACLGP

ClinVar aggregate classification (germline): Uncertain significance (1 of 4 stars; one submission).

Conditions:
Inborn genetic diseases. Identifiers: MedGen C0950123, MeSH D030342.

Submission:

Ambry Genetics
Classification: Uncertain significance for Inborn genetic diseases. Last evaluated: 2026-08-16. Review status: criteria provided, single submitter. Criteria: Ambry Variant Classification Scheme 2023. Collection method: clinical testing. Allele origin: germline.
Comment: The p.D927H variant (also known as c.2779G>C), located in coding exon 28 of the RTEL1 gene, results from a G to C substitution at nucleotide position 2779. The aspartic acid at codon 927 is replaced by histidine, an amino acid with similar properties. This amino acid position is conserved. In addition, the in silico prediction for this alteration is inconclusive. Based on the available evidence, the clinical significance of this variant remains unclear.